The following is an entry in ClinVar:

ClinVar aggregate classification (germline): Benign/Likely benign. Review status: criteria provided, multiple submitters, no conflicts (2 of 4 stars). 7 submissions from 6 submitters: Benign (3); Likely benign (4). Last evaluated 2025-12-26.

Conditions:
Inborn genetic diseases. Identifiers: MedGen C0950123, MeSH D030342.
Developmental and epileptic encephalopathy, 14 (DEE14). Also called: Early infantile epileptic encephalopathy 14. Identifiers: Orphanet 293181, MedGen C3554195, MONDO:0013989, OMIM 614959.
Autosomal dominant nocturnal frontal lobe epilepsy 5. Also called: CILIARY DYSKINESIA, PRIMARY, 28, WITH SITUS INVERSUS; Epilepsy, nocturnal frontal lobe, 5; CILIARY DYSKINESIA, PRIMARY, 28, WITHOUT SITUS INVERSUS; KCNT1-Related Epilepsy. Identifiers: Orphanet 98784, MedGen C3554306, MONDO:0014002, OMIM 615005.

Allele frequency attached by ClinVar (database versions not stated): gnomAD 0.00012 and 0.00019; TOPMed 0.00028; gnomAD exomes 0.00034; ExAC 0.00039; 1000 Genomes Project 0.00040; 1000 Genomes Project 30x 0.00047.
gnomAD v4.1: 222 of 1,612,366 alleles (0.014%); highest among the groups gnomAD compares: East Asian, 0.24%; no homozygotes.

Submissions (7):

Labcorp Genetics (formerly Invitae), Labcorp
Classification: Benign for Autosomal dominant nocturnal frontal lobe epilepsy 5; Developmental and epileptic encephalopathy, 14. Last evaluated: 2025-12-26. Review status: criteria provided, single submitter. Criteria: Invitae Variant Classification Sherloc (09022015). Collection method: clinical testing. Allele origin: germline.

CeGaT Center for Human Genetics Tuebingen
Classification: Likely benign. Last evaluated: 2024-12-01. Review status: criteria provided, single submitter. Criteria: CeGaT Center For Human Genetics Tuebingen Variant Classification Criteria Version 2. Collection method: clinical testing. Allele origin: germline. Affected: yes. Observed: 3 variant alleles.
Comment: KCNT1: BP4, BP7, BS1

Blueprint Genetics
Classification: Likely benign. Last evaluated: 2024-07-15. Review status: criteria provided, single submitter. Criteria: ACMG Guidelines, 2015. Collection method: clinical testing. Allele origin: germline.

Genome-Nilou Lab
Classification: Benign for Developmental and epileptic encephalopathy, 14. Last evaluated: 2022-03-15. Review status: criteria provided, single submitter. Criteria: ACMG Guidelines, 2015. Collection method: clinical testing. Allele origin: germline. Affected: no.

Genome-Nilou Lab
Classification: Benign for Autosomal dominant nocturnal frontal lobe epilepsy 5. Last evaluated: 2022-03-15. Review status: criteria provided, single submitter. Criteria: ACMG Guidelines, 2015. Collection method: clinical testing. Allele origin: germline. Affected: no.

GeneDx
Classification: Likely benign. Last evaluated: 2020-03-31. Review status: criteria provided, single submitter. Criteria: GeneDx Variant Classification Process June 2021. Collection method: clinical testing. Allele origin: germline. Affected: yes.

Ambry Genetics
Classification: Likely benign for Inborn genetic diseases. Last evaluated: 2016-07-28. Review status: criteria provided, single submitter. Criteria: Ambry Variant Classification Scheme 2023. Collection method: clinical testing. Allele origin: germline.

NM_020822.3(KCNT1):c.1182C>T (p.Tyr394=)

Gene: KCNT1 (potassium sodium-activated channel subfamily T member 1; plus strand). Cytogenetic location: 9q34.3.
Variant type: single nucleotide variant.
Coding change: c.1182C>T on transcript NM_020822.3 (MANE Select); coding-DNA position 1182, C replaced by T.
Protein change: p.Tyr394=; no amino-acid change (tyrosine 394 retained).
Molecular consequence: synonymous variant.
Genome position (GRCh38, 1-based): chr9:135,765,177, C>T. VCF-style: chr9-135765177-C-T. GRCh37 (hg19) VCF-style: chr9-138657023-C-T.
Other names: c.1047C>T, p.Tyr349= (NM_001272003.2).
Identifiers: ClinVar variation 417220 (VCV000417220.48), dbSNP rs372491855, ClinGen allele CA5326790.